The following is an entry in ClinVar:

ClinVar aggregate classification (germline): Uncertain significance. Review status: criteria provided, multiple submitters, no conflicts (2 of 4 stars). 2 submissions from 2 submitters: Uncertain significance (2). Last evaluated 2025-04-23.

Conditions:
Inborn genetic diseases. Identifiers: MedGen C0950123, MeSH D030342.

Submissions (2):

Ambry Genetics
Classification: Uncertain significance for Inborn genetic diseases. Last evaluated: 2025-04-23. Review status: criteria provided, single submitter. Criteria: Ambry Variant Classification Scheme 2023. Collection method: clinical testing. Allele origin: germline.
Comment: The p.D184E variant (also known as c.552C>G), located in coding exon 2 of the GATA2 gene, results from a C to G substitution at nucleotide position 552. The aspartic acid at codon 184 is replaced by glutamic acid, an amino acid with highly similar properties. This amino acid position is highly conserved in available vertebrate species. In addition, the in silico prediction for this alteration is inconclusive. Based on the available evidence, the clinical significance of this variant remains unclear.

GeneDx
Classification: Uncertain significance. Last evaluated: 2025-04-14. Review status: criteria provided, single submitter. Criteria: GeneDx Variant Classification Process June 2021. Collection method: clinical testing. Allele origin: germline. Affected: yes.
Comment: Not observed at significant frequency in large population cohorts (gnomAD); In silico analysis indicates that this missense variant does not alter protein structure/function; Has not been previously published as pathogenic or benign to our knowledge

NM_032638.5(GATA2):c.552C>G (p.Asp184Glu)

Gene: GATA2 (GATA binding protein 2; minus strand). Cytogenetic location: 3q21.3.
Variant type: single nucleotide variant.
Coding change: c.552C>G on transcript NM_032638.5 (MANE Select); coding-DNA position 552, C replaced by G.
Protein change: p.Asp184Glu; replaces aspartic acid 184 with glutamic acid.
Molecular consequence: missense variant.
Genome position (GRCh38, 1-based): chr3:128,486,046, G>C on the plus strand (C>G on the coding strand, the complement: GATA2 is on the minus strand). VCF-style: chr3-128486046-G-C. GRCh37 (hg19) VCF-style: chr3-128204889-G-C.
Other names: c.552C>G, p.Asp184Glu (NM_001145661.2, NM_001145662.1); short protein forms D184E.
Identifiers: ClinVar variation 4028476 (VCV004028476.2).